The following is an entry in ClinVar:

NM_007294.4(BRCA1):c.954dup (p.Asn319Ter)

Gene: BRCA1 (BRCA1 DNA repair associated; minus strand). Cytogenetic location: 17q21.31.
Variant type: Duplication.
Coding change: c.954dup on transcript NM_007294.4 (MANE Select); coding-DNA position 954, one base duplicated (T; older notation c.954dupT).
Protein change: p.Asn319Ter; replaces asparagine 319 with a stop codon.
Molecular consequence: nonsense. On other transcripts: intron variant (137).
Genome position (GRCh38, 1-based): chr17:43,094,577, A duplicated on the plus strand (T on the coding strand, the reverse complement: BRCA1 is on the minus strand). VCF-style (leftmost placement, unchanged base first): chr17-43094576-T-TA. GRCh37 (hg19) VCF-style: chr17-41246593-T-TA.
Other names: c.741dup, p.Asn248Ter (NM_001407571.1, NM_001407853.1, NM_001407894.1 and 9 more transcripts); c.954dup, p.Asn319Ter (NM_001407581.1, NM_001407582.1, NM_001407583.1 and 30 more transcripts); c.951dup, p.Asn318Ter (NM_001407587.1, NM_001407590.1, NM_001407591.1 and 22 more transcripts); c.945dup, p.Asn316Ter (NM_001407646.1, NM_001407647.1); c.831dup, p.Asn278Ter (NM_001407648.1, NM_001407664.1, NM_001407665.1 and 19 more transcripts); c.828dup, p.Asn277Ter (NM_001407649.1, NM_001407670.1, NM_001407671.1 and 11 more transcripts); c.876dup, p.Asn293Ter (NM_001407653.1, NM_001407654.1, NM_001407655.1 and 4 more transcripts); c.873dup, p.Asn292Ter (NM_001407659.1, NM_001407660.1, NM_001407661.1 and 1 more transcripts); and 40 more; short protein forms N272*, N319*, N249*, N252*, N293*, N318*, N230*, N231*.
Identifiers: ClinVar variation 1399584 (VCV001399584.7), dbSNP rs80357690, ClinGen allele CA919844521.

ClinVar aggregate classification (germline): Pathogenic (1 of 4 stars; one submission).

Conditions:
Hereditary breast ovarian cancer syndrome. Also called: Hereditary breast and ovarian cancer; Hereditary breast and ovarian cancer syndrome; Breast and ovarian cancer; BRCA1- and BRCA2-Associated Hereditary Breast and Ovarian Cancer; Hereditary breast and ovarian cancer syndrome (HBOC); Hereditary breast and/or ovarian cancer syndrome. Identifiers: Orphanet 145, MedGen C0677776, MeSH D061325, MONDO:0003582. Disease mechanism: loss of function.

Submission:

Labcorp Genetics (formerly Invitae), Labcorp
Classification: Pathogenic for Hereditary breast ovarian cancer syndrome. Last evaluated: 2024-04-22. Review status: criteria provided, single submitter. Criteria: Invitae Variant Classification Sherloc (09022015). Collection method: clinical testing. Allele origin: germline.
Comment: This sequence change creates a premature translational stop signal (p.Asn319*) in the BRCA1 gene. It is expected to result in an absent or disrupted protein product. Loss-of-function variants in BRCA1 are known to be pathogenic (PMID: 20104584). This variant is not present in population databases (gnomAD no frequency). This premature translational stop signal has been observed in individual(s) with breast cancer and/or ovarian cancer (PMID: 25480878, 28724667, 30078507). This variant is also known as 1073insT. ClinVar contains an entry for this variant (Variation ID: 1399584). For these reasons, this variant has been classified as Pathogenic.

Literature cited by the submitters: PubMed 20104584; PubMed 25480878; PubMed 28724667; PubMed 30078507.